The following is an entry in ClinVar:

NM_001242896.3(DEPDC5):c.3725A>G (p.His1242Arg)

Gene: DEPDC5 (DEP domain containing 5, GATOR1 subcomplex subunit; plus strand). Cytogenetic location: 22q12.3.
Variant type: single nucleotide variant.
Coding change: c.3725A>G on transcript NM_001242896.3 (MANE Select); coding-DNA position 3725, A replaced by G.
Protein change: p.His1242Arg; replaces histidine 1242 with arginine.
Molecular consequence: missense variant. On other transcripts: non-coding transcript variant (2).
Genome position (GRCh38, 1-based): chr22:31,876,185, A>G. VCF-style: chr22-31876185-A-G. GRCh37 (hg19) VCF-style: chr22-32272171-A-G.
Other names: c.3725A>G (NM_001242896.1); c.3698A>G, p.His1233Arg (NM_001136029.4); c.3425A>G, p.His1142Arg (NM_001242897.2); c.3659A>G, p.His1220Arg (NM_001363852.2, NM_001364320.2); c.3491A>G, p.His1164Arg (NM_001363854.2, NM_001364319.2); c.3725A>G, p.His1242Arg (NM_001364318.2); c.3641A>G, p.His1214Arg (NM_001369901.1, NM_001369902.1); c.3632A>G, p.His1211Arg (NM_001369903.1, NM_014662.6); short protein forms H1142R, H1164R, H1211R, H1214R, H1220R, H1233R, H1242R.
Identifiers: ClinVar variation 1054578 (VCV001054578.9), dbSNP rs750097398, ClinGen allele CA10197077.

ClinVar aggregate classification (germline): Uncertain significance. Review status: criteria provided, multiple submitters, no conflicts (2 of 4 stars). 2 submissions from 2 submitters: Uncertain significance (2). Last evaluated 2024-08-15.

Conditions:
Familial focal epilepsy with variable foci (FPEVF). Identifiers: Orphanet 98820, MedGen C1858477, MONDO:0020310.

Allele frequency attached by ClinVar (database versions not stated): gnomAD exomes below 0.00001; ExAC 0.00001; TOPMed 0.00002.

Submissions (2):

GeneDx
Classification: Uncertain significance. Last evaluated: 2024-08-15. Review status: criteria provided, single submitter. Criteria: GeneDx Variant Classification Process June 2021. Collection method: clinical testing. Allele origin: germline. Affected: yes.
Comment: In silico analysis supports that this missense variant has a deleterious effect on protein structure/function; Has not been previously published as pathogenic or benign to our knowledge

Labcorp Genetics (formerly Invitae), Labcorp
Classification: Uncertain significance for Familial focal epilepsy with variable foci. Last evaluated: 2020-03-22. Review status: criteria provided, single submitter. Criteria: Invitae Variant Classification Sherloc (09022015). Collection method: clinical testing. Allele origin: germline.
Comment: This sequence change replaces histidine with arginine at codon 1242 of the DEPDC5 protein (p.His1242Arg). The histidine residue is highly conserved and there is a small physicochemical difference between histidine and arginine. This variant is present in population databases (rs750097398, ExAC 0.01%). This variant has not been reported in the literature in individuals with DEPDC5-related conditions. Algorithms developed to predict the effect of missense changes on protein structure and function are either unavailable or do not agree on the potential impact of this missense change (SIFT: "Deleterious"; PolyPhen-2: "Not Available"; Align-GVGD: "Class C25"). In summary, the available evidence is currently insufficient to determine the role of this variant in disease. Therefore, it has been classified as a Variant of Uncertain Significance.